The following is an entry in ClinVar:

NM_001283009.2(RTEL1):c.3710C>T (p.Pro1237Leu)

Genes: RTEL1 (regulator of telomere elongation helicase 1; plus strand), RTEL1-TNFRSF6B (RTEL1-TNFRSF6B readthrough (NMD candidate); plus strand). Cytogenetic location: 20q13.33.
Variant type: single nucleotide variant.
Coding change: c.3710C>T on transcript NM_001283009.2 (MANE Select); coding-DNA position 3710, C replaced by T.
Protein change: p.Pro1237Leu; replaces proline 1237 with leucine.
Molecular consequence: missense variant. On other transcripts: non-coding transcript variant (1), intron variant (3).
Genome position (GRCh38, 1-based): chr20:63,695,538, C>T. VCF-style: chr20-63695538-C-T. GRCh37 (hg19) VCF-style: chr20-62326891-C-T.
Other names: c.2983+58C>T (NM_001283010.1); c.3724+58C>T (NM_032957.5); c.3652+58C>T (NM_016434.4); short protein forms P1237L.
Identifiers: ClinVar variation 3791092 (VCV003791092.1).

ClinVar aggregate classification (germline): Uncertain significance (1 of 4 stars; one submission).

Conditions:
Inborn genetic diseases. Identifiers: MedGen C0950123, MeSH D030342.

gnomAD v4.1: 6 of 1,612,324 alleles (0.00037%); highest among the groups gnomAD compares: Non-Finnish European, 0.00051%; no homozygotes.

Submission:

Ambry Genetics
Classification: Uncertain significance for Inborn genetic diseases. Last evaluated: 2025-01-25. Review status: criteria provided, single submitter. Criteria: Ambry Variant Classification Scheme 2023. Collection method: clinical testing. Allele origin: germline.
Comment: The p.P1237L variant (also known as c.3710C>T), located in coding exon 33 of the RTEL1 gene, results from a C to T substitution at nucleotide position 3710. The proline at codon 1237 is replaced by leucine, an amino acid with similar properties. This amino acid position is conserved. In addition, this alteration is predicted to be tolerated by in silico analysis. Based on the available evidence, the clinical significance of this variant remains unclear.